The following is an entry in ClinVar:

ClinVar aggregate classification (germline): Uncertain significance. Review status: criteria provided, multiple submitters, no conflicts (2 of 4 stars). 2 submissions from 2 submitters: Uncertain significance (2). Last evaluated 2025-01-20.

Conditions:
Inborn genetic diseases. Identifiers: MedGen C0950123, MeSH D030342.

Allele frequency attached by ClinVar (database versions not stated): gnomAD exomes below 0.00001; TOPMed below 0.00001.
gnomAD v4.1: 9 of 1,614,198 alleles (0.00056%); highest among the groups gnomAD compares: Non-Finnish European, 0.00059%; no homozygotes.

Submissions (2):

Ambry Genetics
Classification: Uncertain significance for Inborn genetic diseases. Last evaluated: 2025-01-20. Review status: criteria provided, single submitter. Criteria: Ambry Variant Classification Scheme 2023. Collection method: clinical testing. Allele origin: germline.
Comment: The p.A515V variant (also known as c.1544C>T), located in coding exon 12 of the FANCG gene, results from a C to T substitution at nucleotide position 1544. The alanine at codon 515 is replaced by valine, an amino acid with similar properties. This amino acid position is conserved. In addition, this alteration is predicted to be tolerated by in silico analysis. Based on the available evidence, the clinical significance of this variant remains unclear.

Mayo Clinic Laboratories, Mayo Clinic
Classification: Uncertain significance. Last evaluated: 2022-02-25. Review status: criteria provided, single submitter. Criteria: ACMG Guidelines, 2015. Collection method: clinical testing. Allele origin: germline. Observed: 1 variant allele.
Comment: BP4_strong, PM2

NM_004629.2(FANCG):c.1544C>T (p.Ala515Val)

Gene: FANCG (FA complementation group G; minus strand). Cytogenetic location: 9p13.3.
Variant type: single nucleotide variant.
Coding change: c.1544C>T on transcript NM_004629.2 (MANE Select); coding-DNA position 1544, C replaced by T.
Protein change: p.Ala515Val; replaces alanine 515 with valine.
Molecular consequence: missense variant.
Genome position (GRCh38, 1-based): chr9:35,075,019, G>A on the plus strand (C>T on the coding strand, the complement: FANCG is on the minus strand). VCF-style: chr9-35075019-G-A. GRCh37 (hg19) VCF-style: chr9-35075016-G-A.
Other names: p.Ala515Val; short protein forms A515V.
Identifiers: ClinVar variation 2683044 (VCV002683044.3), dbSNP rs1234056214, ClinGen allele CA373304420.
Genomic context (GRCh38, chr9:35,075,019, plus strand): 5'-TGTAAGGCTTTGGTATCCTGGCCGCTGGCTACCCATTCCAGTCCACGACTAATTAGGGCG[G>A]CTGCCCGAAGCTGCTGCAGTGCCGCATCTGACTTACATCCCTGCTCACAGTTGAAAGCTG-3'
Protein context (NP_004620.1, residues 505-525): SDAALQQLRA[Ala515Val]ALISRGLEWV